The following is an entry in ClinVar:

ClinVar aggregate classification (germline): Likely benign (1 of 4 stars; one submission).

gnomAD v4.1: 66 of 1,613,970 alleles (0.0041%); highest among the groups gnomAD compares: African/African-American, 0.045%; no homozygotes.

Submission:

CeGaT Center for Human Genetics Tuebingen
Classification: Likely benign. Last evaluated: 2026-06-01. Review status: criteria provided, single submitter. Criteria: CeGaT Center For Human Genetics Tuebingen Variant Classification Criteria Version 2. Collection method: clinical testing. Allele origin: germline. Affected: yes. Observed: 1 variant allele.
Comment: HYI: BP4, BP7

NM_001190880.3(HYI):c.675C>T (p.Pro225=)

Genes: SZT2 (SZT2 subunit of KICSTOR complex; plus strand), HYI (hydroxypyruvate isomerase (putative); minus strand). Cytogenetic location: 1p34.2.
Variant type: single nucleotide variant.
Coding change: c.675C>T on transcript NM_001190880.3 (MANE Select); coding-DNA position 675, C replaced by T.
Protein change: p.Pro225=; no amino-acid change (proline 225 retained).
Molecular consequence: synonymous variant. On other transcripts: 3 prime UTR variant (2).
Genome position (GRCh38, 1-based): chr1:43,451,495, G>A on the plus strand (C>T on the coding strand, the complement: HYI is on the minus strand). VCF-style: chr1-43451495-G-A. GRCh37 (hg19) VCF-style: chr1-43917166-G-A.
Other names: c.*1015G>A (NM_001365999.1, NM_015284.4); c.750C>T, p.Pro250= (NM_001243526.2, NM_001330526.2); c.675C>T, p.Pro225= (NM_031207.6).
Identifiers: ClinVar variation 4874327 (VCV004874327.2).
Genomic context (GRCh38, chr1:43,451,495, plus strand): 5'-GAAGCCTTTGTAGCCTTCATCTTCCAGCAGTTGAAACAGATAGGGGAAATTCAGCTCTCC[G>A]GGGCTGCTGGGCTCCCCTCGGCCTGGGACCTGTGCCACCTGCACATGCCCTGGGGACAGA-3'
Protein context (NP_001177809.1, residues 215-235): QVPGRGEPSS[Pro225=]GELNFPYLFQ